The following is an entry in ClinVar:

NM_025114.4(CEP290):c.2140G>T (p.Glu714Ter)

Gene: CEP290 (centrosomal protein 290; minus strand). Cytogenetic location: 12q21.32.
Variant type: single nucleotide variant.
Coding change: c.2140G>T on transcript NM_025114.4 (MANE Select); coding-DNA position 2140, G replaced by T.
Protein change: p.Glu714Ter; replaces glutamic acid 714 with a stop codon.
Molecular consequence: nonsense.
Genome position (GRCh38, 1-based): chr12:88,111,771, C>A on the plus strand (G>T on the coding strand, the complement: CEP290 is on the minus strand). VCF-style: chr12-88111771-C-A. GRCh37 (hg19) VCF-style: chr12-88505548-C-A.
Other names: c.2140G>T (NM_025114.3); short protein forms E714*.
Identifiers: ClinVar variation 1406753 (VCV001406753.9), dbSNP rs1440259390, ClinGen allele CA385975100.

ClinVar aggregate classification (germline): Pathogenic/Likely pathogenic. Review status: criteria provided, multiple submitters, no conflicts (2 of 4 stars). 4 submissions from 4 submitters: Pathogenic (1); Likely pathogenic (3). Last evaluated 2026-06-08.

Conditions:
Nephronophthisis. Also called: Juvenile Nephronophthisis. Identifiers: Orphanet 655, MedGen C0687120, MONDO:0019005, HP:0000090.
Meckel-Gruber syndrome. Also called: DYSENCEPHALIA SPLANCHNOCYSTICA; GRUBER SYNDROME; Dysencephalia splachnocystica. Identifiers: Orphanet 564, MedGen C0265215, MONDO:0018921.
Joubert syndrome. Also called: JOUBERT-BOLTSHAUSER SYNDROME; Familial aplasia of the vermis. Identifiers: Orphanet 475, MedGen C5979921, MONDO:0018772.
Bardet-Biedl syndrome 14 (BBS14). Identifiers: Orphanet 110, MedGen C2673874, MONDO:0014442, OMIM 615991.
CEP290-related disorder. Also called: CEP290-related condition; CEP290-related disorders. Identifiers: MedGen CN239314.
Leber congenital amaurosis (LCA). Also called: Leber's amaurosis. Identifiers: Orphanet 65, MedGen C0339527, MeSH D057130, MONDO:0018998.

gnomAD v4.1: 1 of 1,605,446 alleles (0.000062%); highest among the groups gnomAD compares: Non-Finnish European, 0.000085%; no homozygotes.

Submissions (4):

PreventionGenetics, part of Exact Sciences
Classification: Likely pathogenic for CEP290-related condition. Last evaluated: 2026-06-08. Review status: criteria provided, single submitter. Criteria: ACMG Guidelines, 2015. Collection method: clinical testing. Allele origin: germline.
Comment: The CEP290 c.2140G>T variant is predicted to result in premature protein termination (p.Glu714*). To our knowledge, this variant has not been reported in the literature or in a large population database (gnomAD), indicating this variant is rare. Nonsense variants in CEP290 are expected to be pathogenic. This variant is interpreted as likely pathogenic.

Labcorp Genetics (formerly Invitae), Labcorp
Classification: Pathogenic for Joubert syndrome; Meckel-Gruber syndrome; Nephronophthisis. Last evaluated: 2025-08-03. Review status: criteria provided, single submitter. Criteria: Invitae Variant Classification Sherloc (09022015). Collection method: clinical testing. Allele origin: germline.
Comment: This sequence change creates a premature translational stop signal (p.Glu714*) in the CEP290 gene. It is expected to result in an absent or disrupted protein product. Loss-of-function variants in CEP290 are known to be pathogenic (PMID: 16909394, 17345604, 20690115). This variant is not present in population databases (gnomAD no frequency). This variant has not been reported in the literature in individuals affected with CEP290-related conditions. ClinVar contains an entry for this variant (Variation ID: 1406753). For these reasons, this variant has been classified as Pathogenic.

Natera, Inc.
Classification: Likely pathogenic for Leber congenital amaurosis. Last evaluated: 2024-12-08. Review status: criteria provided, single submitter. Criteria: Natera Variant Classification Schema (03/2026). Collection method: clinical testing. Allele origin: germline.
Comment: The c.2140G>T variant in CEP290 is a nonsense variant predicted to introduce a stop codon at amino acid 714. This variant is expected to result in nonsense mediated decay, truncation, or a dysfunctional protein product. This variant is rare in the general population with a frequency below the threshold expected for the associated phenotype(s). Given the available evidence, this variant is classified as Likely Pathogenic.

Baylor Genetics
Classification: Likely pathogenic for Bardet-Biedl syndrome 14. Last evaluated: 2023-06-14. Review status: criteria provided, single submitter. Criteria: ACMG Guidelines, 2015. Collection method: clinical testing. Allele origin: unknown.

Literature cited by the submitters: PubMed 16909394 (cited by Labcorp Genetics (formerly Invitae), Labcorp); PubMed 17345604 (cited by Labcorp Genetics (formerly Invitae), Labcorp); PubMed 20690115 (cited by Labcorp Genetics (formerly Invitae), Labcorp).